The following is an entry in ClinVar:

ClinVar aggregate classification (germline): Uncertain significance. Review status: criteria provided, multiple submitters, no conflicts (2 of 4 stars). 5 submissions from 5 submitters: Uncertain significance (5). Last evaluated 2025-08-04.

Conditions:
Inborn genetic diseases. Identifiers: MedGen C0950123, MeSH D030342.
Walker-Warburg congenital muscular dystrophy. Also called: Muscular dystrophy-dystroglycanopathy, type A; Walker-Warburg syndrome. Identifiers: Orphanet 899, MedGen C0265221, MONDO:0000171.
Autosomal recessive limb-girdle muscular dystrophy type 2K. Also called: MUSCULAR DYSTROPHY, LIMB-GIRDLE, TYPE 2K; MUSCULAR DYSTROPHY-DYSTROGLYCANOPATHY (LIMB-GIRDLE), TYPE C, 1. Identifiers: Orphanet 86812, MedGen C1836373, MONDO:0012248, OMIM 609308.
Muscular dystrophy-dystroglycanopathy (congenital with impaired intellectual development), type B, 1. Also called: MUSCULAR DYSTROPHY, CONGENITAL, POMT1-RELATED; Muscular dystrophy-dystroglycanopathy (congenital with intellectual disability), type B1. Identifiers: MedGen C5436962, MONDO:0013159, OMIM 613155.

Allele frequency attached by ClinVar (database versions not stated): gnomAD 0.00001; ExAC 0.00002; TOPMed below 0.00001; gnomAD exomes 0.00002.
gnomAD v4.1: 37 of 1,613,700 alleles (0.0023%); highest among the groups gnomAD compares: Non-Finnish European, 0.0025%; no homozygotes.

Submissions (5):

Labcorp Genetics (formerly Invitae), Labcorp
Classification: Uncertain significance for Muscular dystrophy-dystroglycanopathy (congenital with impaired intellectual development), type B, 1; Walker-Warburg congenital muscular dystrophy; Autosomal recessive limb-girdle muscular dystrophy type 2K. Last evaluated: 2025-08-04. Review status: criteria provided, single submitter. Criteria: Invitae Variant Classification Sherloc (09022015). Collection method: clinical testing. Allele origin: germline.
Comment: This sequence change replaces serine, which is neutral and polar, with leucine, which is neutral and non-polar, at codon 561 of the POMT1 protein (p.Ser561Leu). This variant is present in population databases (rs754907726, gnomAD 0.004%). This variant has not been reported in the literature in individuals affected with POMT1-related conditions. ClinVar contains an entry for this variant (Variation ID: 852488). Invitae Evidence Modeling of protein sequence and biophysical properties (such as structural, functional, and spatial information, amino acid conservation, physicochemical variation, residue mobility, and thermodynamic stability) indicates that this missense variant is not expected to disrupt POMT1 protein function with a negative predictive value of 95%. In summary, the available evidence is currently insufficient to determine the role of this variant in disease. Therefore, it has been classified as a Variant of Uncertain Significance.

GeneDx
Classification: Uncertain significance. Last evaluated: 2024-10-14. Review status: criteria provided, single submitter. Criteria: GeneDx Variant Classification Process June 2021. Collection method: clinical testing. Allele origin: germline. Affected: yes.
Comment: Not observed at significant frequency in large population cohorts (gnomAD); In silico analysis indicates that this missense variant does not alter protein structure/function; Has not been previously published as pathogenic or benign to our knowledge

Ambry Genetics
Classification: Uncertain significance for Inborn genetic diseases. Last evaluated: 2024-06-02. Review status: criteria provided, single submitter. Criteria: Ambry Variant Classification Scheme 2023. Collection method: clinical testing. Allele origin: germline.

Mayo Clinic Laboratories, Mayo Clinic
Classification: Uncertain significance. Last evaluated: 2024-01-29. Review status: criteria provided, single submitter. Criteria: ACMG Guidelines, 2015. Collection method: clinical testing. Allele origin: germline. Observed: 1 variant allele.
Comment: BP4

Athena Diagnostics
Classification: Uncertain significance. Last evaluated: 2023-10-21. Review status: criteria provided, single submitter. Criteria: Athena Diagnostics Criteria. Collection method: clinical testing. Allele origin: unknown.
Comment: Available data are insufficient to determine the clinical significance of the variant at this time. The frequency of this variant in the general population is uninformative in assessment of its pathogenicity. Computational tools predict that this variant is not damaging.

NM_001077365.2(POMT1):c.1616C>T (p.Ser539Leu)

Gene: POMT1 (protein O-mannosyltransferase 1; plus strand). Cytogenetic location: 9q34.13.
Variant type: single nucleotide variant.
Coding change: c.1616C>T on transcript NM_001077365.2 (MANE Select); coding-DNA position 1616, C replaced by T.
Protein change: p.Ser539Leu; replaces serine 539 with leucine.
Molecular consequence: missense variant. On other transcripts: non-coding transcript variant (10).
Genome position (GRCh38, 1-based): chr9:131,520,111, C>T. VCF-style: chr9-131520111-C-T. GRCh37 (hg19) VCF-style: chr9-134395498-C-T.
Other names: p.Ser561Leu; c.1454C>T, p.Ser485Leu (NM_001077366.2, NM_001353194.2); c.1616C>T, p.Ser539Leu (NM_001136113.2); c.1265C>T, p.Ser422Leu (NM_001136114.2, NM_001353195.2, NM_001374691.1 and 2 more transcripts); c.1682C>T, p.Ser561Leu (NM_001353193.2, NM_007171.4); c.1526C>T, p.Ser509Leu (NM_001353196.2); c.1520C>T, p.Ser507Leu (NM_001353197.2, NM_001353198.2); c.1331C>T, p.Ser444Leu (NM_001353199.2); and 4 more; short protein forms S387L, S422L, S485L, S507L, S535L, S409L, S466L, S509L.
Identifiers: ClinVar variation 852488 (VCV000852488.10), dbSNP rs754907726, ClinGen allele CA5293763.